The following is an entry in ClinVar:

ClinVar aggregate classification (germline): Uncertain significance. Review status: criteria provided, single submitter (1 of 4 stars). 2 submissions from 2 submitters: Uncertain significance (1). 1 of the submissions does not count toward it. Last evaluated 2025-10-09.

Conditions:
PLXNA2-related disorder. Also called: PLXNA2-related condition.

Allele frequency attached by ClinVar (database versions not stated): gnomAD 0.00001; TOPMed 0.00001.
gnomAD v4.1: 12 of 1,613,784 alleles (0.00074%); highest among the groups gnomAD compares: Admixed American, 0.0017%; no homozygotes.

Submissions (2):

Labcorp Genetics (formerly Invitae), Labcorp
Classification: Uncertain significance. Last evaluated: 2025-10-09. Review status: criteria provided, single submitter. Criteria: Invitae Variant Classification Sherloc (09022015). Collection method: clinical testing. Allele origin: germline.
Comment: This sequence change replaces arginine, which is basic and polar, with histidine, which is basic and polar, at codon 1284 of the PLXNA2 protein (p.Arg1284His). This variant is not present in population databases (gnomAD no frequency). This variant has not been reported in the literature in individuals affected with PLXNA2-related conditions. ClinVar contains an entry for this variant (Variation ID: 2635707). Invitae Evidence Modeling of protein sequence and biophysical properties (such as structural, functional, and spatial information, amino acid conservation, physicochemical variation, residue mobility, and thermodynamic stability) indicates that this missense variant is expected to disrupt PLXNA2 protein function with a positive predictive value of 80%. In summary, the available evidence is currently insufficient to determine the role of this variant in disease. Therefore, it has been classified as a Variant of Uncertain Significance.

PreventionGenetics, part of Exact Sciences
Classification: Uncertain significance for PLXNA2-related condition. Last evaluated: 2024-01-29. Review status: no assertion criteria provided. Collection method: clinical testing. Allele origin: germline. Not counted in ClinVar's aggregate classification.
Comment: The PLXNA2 c.3851G>A variant is predicted to result in the amino acid substitution p.Arg1284His. To our knowledge, this variant has not been reported in the literature or in a large population database, indicating this variant is rare. At this time, the clinical significance of this variant is uncertain due to the absence of conclusive functional and genetic evidence.

NM_025179.4(PLXNA2):c.3851G>A (p.Arg1284His)

Gene: PLXNA2 (plexin A2; minus strand). Cytogenetic location: 1q32.2.
Variant type: single nucleotide variant.
Coding change: c.3851G>A on transcript NM_025179.4 (MANE Select); coding-DNA position 3851, G replaced by A.
Protein change: p.Arg1284His; replaces arginine 1284 with histidine.
Molecular consequence: missense variant.
Genome position (GRCh38, 1-based): chr1:208,044,531, C>T on the plus strand (G>A on the coding strand, the complement: PLXNA2 is on the minus strand). VCF-style: chr1-208044531-C-T. GRCh37 (hg19) VCF-style: chr1-208217876-C-T.
Other names: short protein forms R1284H.
Identifiers: ClinVar variation 2635707 (VCV002635707.4), dbSNP rs988855659, ClinGen allele CA36705650.